The following is an entry in ClinVar:

NM_000059.4(BRCA2):c.2923_2927delinsGACAT (p.Ile975_Ser976delinsAspIle)

Gene: BRCA2 (BRCA2 DNA repair associated; plus strand). Cytogenetic location: 13q13.1.
Variant type: Indel.
Coding change: c.2923_2927delinsGACAT on transcript NM_000059.4 (MANE Select); coding-DNA positions 2923 to 2927, ATCTC replaced by GACAT.
Protein change: p.Ile975_Ser976delinsAspIle.
Molecular consequence: missense variant.
Genome position (GRCh38, 1-based): chr13:32,337,278-32,337,282, ATCTC replaced by GACAT. VCF-style: chr13-32337278-ATCTC-GACAT. GRCh37 (hg19) VCF-style: chr13-32911415-ATCTC-GACAT.
Other names: c.2923_2927delATCTCinsGACAT (NM_000059.3).
Identifiers: ClinVar variation 571258 (VCV000571258.8), dbSNP rs1566227476, ClinGen allele CA891844448.

ClinVar aggregate classification (germline): Conflicting classifications of pathogenicity. Review status: criteria provided, conflicting classifications (1 of 4 stars). 3 submissions from 3 submitters: Uncertain significance (2); Likely benign (1). Last evaluated 2024-03-27.

Conditions:
Hereditary cancer-predisposing syndrome. Also called: Hereditary neoplastic syndrome; Tumor predisposition; Neoplastic Syndromes, Hereditary; Hereditary Cancer Syndrome. Identifiers: Orphanet 140162, MedGen C0027672, MeSH D009386, MONDO:0015356.
Hereditary breast ovarian cancer syndrome. Also called: Hereditary breast and ovarian cancer syndrome; Breast and ovarian cancer; Hereditary breast and ovarian cancer; Hereditary breast and/or ovarian cancer syndrome; Hereditary breast and ovarian cancer syndrome (HBOC); BRCA1- and BRCA2-Associated Hereditary Breast and Ovarian Cancer. Identifiers: Orphanet 145, MedGen C0677776, MeSH D061325, MONDO:0003582. Disease mechanism: loss of function.

Submissions (3):

Ambry Genetics
Classification: Uncertain significance for Hereditary cancer-predisposing syndrome. Last evaluated: 2024-03-27. Review status: criteria provided, single submitter. Criteria: Ambry Variant Classification Scheme 2023. Collection method: clinical testing. Allele origin: germline.
Comment: The c.2923_2927delATCTCinsGACAT variant (also known as p.I975_S976delinsDI), located in coding exon 10 of the BRCA2 gene, results from an in-frame deletion of ATCTC and insertion of GACAT at nucleotide positions 2923 to 2927. This results in the deletion of isoleucine and serine residues and the insertion of aspartic acid and isoleucine residues at codons 975 and 976. These amino acid positions are not well conserved in available vertebrate species. In addition, this alteration is predicted to be deleterious by in silico analysis (Choi Y et al. PLoS ONE. 2012; 7(10):e46688). Based on the available evidence, the clinical significance of this alteration remains unclear.

University of Washington Department of Laboratory Medicine, University of Washington
Classification: Likely benign for Hereditary cancer-predisposing syndrome. Last evaluated: 2023-03-23. Review status: criteria provided, single submitter. Criteria: Dines et al. (Genet Med. 2020). Collection method: curation. Allele origin: germline.
Comment: Missense variant in a coldspot region where missense variants are very unlikely to be pathogenic (PMID:31911673).

BRCA2 exon 11 coldspot. Reclassification based on statistical prior probability.

Labcorp Genetics (formerly Invitae), Labcorp
Classification: Uncertain significance for Hereditary breast ovarian cancer syndrome. Last evaluated: 2018-03-27. Review status: criteria provided, single submitter. Criteria: Invitae Variant Classification Sherloc (09022015). Collection method: clinical testing. Allele origin: germline.
Comment: This variant, c.2923_2927delATCTCinsGACAT, is a complex sequence change that results in the in-frame exchange of 2 amino acids of the BRCA2 protein (p.Ile975_Ser976delinsAspIle). This variant is not present in population databases (ExAC no frequency). This variant has not been reported in the literature in individuals with BRCA2-related disease. Experimental studies and prediction algorithms are not available for this variant, and the functional significance of the replaced amino acids is currently unknown. In summary, the available evidence is currently insufficient to determine the role of this variant in disease. Therefore, it has been classified as a Variant of Uncertain Significance.